The following is an entry in ClinVar:

NM_017780.4(CHD7):c.8507C>T (p.Pro2836Leu)

Gene: CHD7 (chromodomain helicase DNA binding protein 7; plus strand). Cytogenetic location: 8q12.2.
Variant type: single nucleotide variant.
Coding change: c.8507C>T on transcript NM_017780.4 (MANE Select); coding-DNA position 8507, C replaced by T.
Protein change: p.Pro2836Leu; replaces proline 2836 with leucine.
Molecular consequence: missense variant.
Genome position (GRCh38, 1-based): chr8:60,865,446, C>T. VCF-style: chr8-60865446-C-T. GRCh37 (hg19) VCF-style: chr8-61778005-C-T.
Other names: c.2360C>T, p.Pro787Leu (NM_001316690.1); c.8507C>T (NM_017780.3); short protein forms P787L, P2836L.
Identifiers: ClinVar variation 1419112 (VCV001419112.31), dbSNP rs925177812, ClinGen allele CA177329622.

ClinVar aggregate classification (germline): Conflicting classifications of pathogenicity. Review status: criteria provided, conflicting classifications (1 of 4 stars). 3 submissions from 3 submitters: Uncertain significance (1); Benign (1); Likely benign (1). Last evaluated 2024-07-23.

Conditions:
CHARGE syndrome (CHARGE). Also called: Coloboma, heart anomaly, choanal atresia, retardation, genital and ear anomalies; CHARGE association; Hall-Hittner syndrome; Hittner Hirsch Kreh syndrome; CHARGE ASSOCIATION--COLOBOMA, HEART ANOMALY, CHOANAL ATRESIA, RETARDATION, GENITAL AND EAR ANOMALIES. Identifiers: Orphanet 138, MedGen C0265354, MONDO:0008965.
Inborn genetic diseases. Identifiers: MedGen C0950123, MeSH D030342.

Allele frequency attached by ClinVar (database versions not stated): gnomAD exomes 0.00001; gnomAD 0.00002; TOPMed 0.00002.
gnomAD v4.1: 14 of 1,613,836 alleles (0.00087%); highest among the groups gnomAD compares: African/African-American, 0.0053%; no homozygotes.

Submissions (3):

Labcorp Genetics (formerly Invitae), Labcorp
Classification: Benign for CHARGE syndrome. Last evaluated: 2024-07-23. Review status: criteria provided, single submitter. Criteria: Invitae Variant Classification Sherloc (09022015). Collection method: clinical testing. Allele origin: germline.

CeGaT Center for Human Genetics Tuebingen
Classification: Likely benign. Last evaluated: 2023-12-01. Review status: criteria provided, single submitter. Criteria: CeGaT Center For Human Genetics Tuebingen Variant Classification Criteria Version 2. Collection method: clinical testing. Allele origin: germline. Affected: yes. Observed: 1 variant allele.
Comment: CHD7: BP4, BS2

Ambry Genetics
Classification: Uncertain significance for Inborn genetic diseases. Last evaluated: 2021-11-12. Review status: criteria provided, single submitter. Criteria: Ambry Variant Classification Scheme 2023. Collection method: clinical testing. Allele origin: germline.